The following is an entry in ClinVar:

ClinVar aggregate classification (germline): Uncertain significance (1 of 4 stars; one submission).

Conditions:
Nephronophthisis 16 (NPHP16). Identifiers: Orphanet 655, MedGen C3809320, MONDO:0014158, OMIM 615382.

Allele frequency attached by ClinVar (database versions not stated): gnomAD exomes below 0.00001 and 0.00001.
gnomAD v4.1: 3 of 1,613,478 alleles (0.00019%); highest among the groups gnomAD compares: Non-Finnish European, 0.00025%; no homozygotes.

Submission:

Labcorp Genetics (formerly Invitae), Labcorp
Classification: Uncertain significance for Nephronophthisis 16. Last evaluated: 2023-11-27. Review status: criteria provided, single submitter. Criteria: Invitae Variant Classification Sherloc (09022015). Collection method: clinical testing. Allele origin: germline.
Comment: This sequence change replaces serine, which is neutral and polar, with glycine, which is neutral and non-polar, at codon 763 of the ANKS6 protein (p.Ser763Gly). This variant is present in population databases (no rsID available, gnomAD 0.0009%). This variant has not been reported in the literature in individuals affected with ANKS6-related conditions. ClinVar contains an entry for this variant (Variation ID: 1352949). Algorithms developed to predict the effect of missense changes on protein structure and function output the following: SIFT: "Not Available"; PolyPhen-2: "Benign"; Align-GVGD: "Not Available". The glycine amino acid residue is found in multiple mammalian species, which suggests that this missense change does not adversely affect protein function. In summary, the available evidence is currently insufficient to determine the role of this variant in disease. Therefore, it has been classified as a Variant of Uncertain Significance.

NM_173551.5(ANKS6):c.2287A>G (p.Ser763Gly)

Gene: ANKS6 (ankyrin repeat and sterile alpha motif domain containing 6; minus strand). Cytogenetic location: 9q22.33.
Variant type: single nucleotide variant.
Coding change: c.2287A>G on transcript NM_173551.5 (MANE Select); coding-DNA position 2287, A replaced by G.
Protein change: p.Ser763Gly; replaces serine 763 with glycine.
Molecular consequence: missense variant.
Genome position (GRCh38, 1-based): chr9:98,756,459, T>C on the plus strand (A>G on the coding strand, the complement: ANKS6 is on the minus strand). VCF-style: chr9-98756459-T-C. GRCh37 (hg19) VCF-style: chr9-101518741-T-C.
Other names: short protein forms S763G.
Identifiers: ClinVar variation 1352949 (VCV001352949.8), dbSNP rs1440045028, ClinGen allele CA374214072.